The following is an entry in ClinVar:

NM_000238.4(KCNH2):c.1193G>A (p.Trp398Ter)

Gene: KCNH2 (potassium voltage-gated channel subfamily H member 2; minus strand). Cytogenetic location: 7q36.1.
Variant type: single nucleotide variant.
Coding change: c.1193G>A on transcript NM_000238.4 (MANE Select); coding-DNA position 1193, G replaced by A.
Protein change: p.Trp398Ter; replaces tryptophan 398 with a stop codon.
Molecular consequence: nonsense.
Genome position (GRCh38, 1-based): chr7:150,952,789, C>T on the plus strand (G>A on the coding strand, the complement: KCNH2 is on the minus strand). VCF-style: chr7-150952789-C-T. GRCh37 (hg19) VCF-style: chr7-150649877-C-T.
Other names: p.W398*:TGG>TAG; c.173G>A, p.Trp58Ter (NM_001204798.2, NM_172057.3); c.905G>A, p.Trp302Ter (NM_001406753.1, NM_001406756.1); c.1016G>A, p.Trp339Ter (NM_001406755.1); c.893G>A, p.Trp298Ter (NM_001406757.1); c.1193G>A, p.Trp398Ter (NM_172056.3); short protein forms W398*, W58*, W298*, W302*, W339*.
Identifiers: ClinVar variation 200327 (VCV000200327.14), dbSNP rs794728366, ClinGen allele CA004257.

ClinVar aggregate classification (germline): Pathogenic. Review status: criteria provided, multiple submitters, no conflicts (2 of 4 stars). 3 submissions from 3 submitters: Pathogenic (3). Last evaluated 2025-02-18.

Conditions:
Cardiovascular phenotype. Identifiers: MedGen CN230736.
Long QT syndrome (LQTS). Identifiers: MedGen C0023976, MeSH D008133, MONDO:0002442. Disease mechanism: loss of function. Inheritance: Various modes of inheritance.

Submissions (3):

GeneDx
Classification: Pathogenic. Last evaluated: 2025-02-18. Review status: criteria provided, single submitter. Criteria: GeneDx Variant Classification Process June 2021. Collection method: clinical testing. Allele origin: germline. Affected: yes.
Comment: Nonsense variant predicted to result in protein truncation or nonsense mediated decay in a gene for which loss of function is a known mechanism of disease; Not observed at significant frequency in large population cohorts (gnomAD); This variant is associated with the following publications: (PMID: 25525159, 19716085)

Labcorp Genetics (formerly Invitae), Labcorp
Classification: Pathogenic for Long QT syndrome. Last evaluated: 2024-07-30. Review status: criteria provided, single submitter. Criteria: Invitae Variant Classification Sherloc (09022015). Collection method: clinical testing. Allele origin: germline.
Comment: This sequence change creates a premature translational stop signal (p.Trp398*) in the KCNH2 gene. It is expected to result in an absent or disrupted protein product. Loss-of-function variants in KCNH2 are known to be pathogenic (PMID: 10973849, 19862833). This variant is not present in population databases (gnomAD no frequency). This premature translational stop signal has been observed in individual(s) with long QT syndrome (PMID: 19716085). ClinVar contains an entry for this variant (Variation ID: 200327). For these reasons, this variant has been classified as Pathogenic.

Molecular Diagnostic Laboratory for Inherited Cardiovascular Disease, Montreal Heart Institute
Classification: Pathogenic for Cardiovascular phenotype. Last evaluated: 2021-10-28. Review status: criteria provided, single submitter. Criteria: ACMG Guidelines, 2015. Collection method: clinical testing. Allele origin: germline. Affected: yes.

Literature cited by the submitters: PubMed 10973849 (cited by Labcorp Genetics (formerly Invitae), Labcorp); PubMed 19862833 (cited by Labcorp Genetics (formerly Invitae), Labcorp); PubMed 19716085 (cited by Labcorp Genetics (formerly Invitae), Labcorp).